The following is an entry in ClinVar:

NM_000275.3(OCA2):c.65C>T (p.Thr22Met)

Gene: OCA2 (OCA2 melanosomal transmembrane protein; minus strand). Cytogenetic location: 15q13.1.
Variant type: single nucleotide variant.
Coding change: c.65C>T on transcript NM_000275.3 (MANE Select); coding-DNA position 65, C replaced by T.
Protein change: p.Thr22Met; replaces threonine 22 with methionine.
Molecular consequence: missense variant.
Genome position (GRCh38, 1-based): chr15:28,081,810, G>A on the plus strand (C>T on the coding strand, the complement: OCA2 is on the minus strand). VCF-style: chr15-28081810-G-A. GRCh37 (hg19) VCF-style: chr15-28326956-G-A.
Other names: c.65C>T (NM_000275.2); c.65C>T, p.Thr22Met (NM_001300984.2); short protein forms T22M.
Identifiers: ClinVar variation 1490699 (VCV001490699.9), dbSNP rs779114740, ClinGen allele CA7439601.
Genomic context (GRCh38, chr15:28,081,810, plus strand): 5'-GCTCCCCGAGGAAGCCTGCGCTTGCCGGCCACAAGTTCAGCGAGTCCGCTGGGCACGGAC[G>A]TCTGCAGGAGCTCCACCGCCGGCGCGCCGGGGTACCGCCTGCCGTCTCTGCCCTCCAGAT-3'
Protein context (NP_000266.2, residues 12-32): PGAPAVELLQ[Thr22Met]SVPSGLAELV

ClinVar aggregate classification (germline): Conflicting classifications of pathogenicity. Review status: criteria provided, conflicting classifications (1 of 4 stars). 3 submissions from 3 submitters: Uncertain significance (2); Likely benign (1). Last evaluated 2024-04-09.

Conditions:
Inborn genetic diseases. Identifiers: MedGen C0950123, MeSH D030342.

Allele frequency attached by ClinVar (database versions not stated): TOPMed 0.00001; gnomAD exomes 0.00002 and 0.00008; gnomAD 0.00003; ExAC 0.00008.
gnomAD v4.1: 27 of 1,612,266 alleles (0.0017%); highest among the groups gnomAD compares: East Asian, 0.038%; no homozygotes.

Submissions (3):

Ambry Genetics
Classification: Uncertain significance for Inborn genetic diseases. Last evaluated: 2024-04-09. Review status: criteria provided, single submitter. Criteria: Ambry Variant Classification Scheme 2023. Collection method: clinical testing. Allele origin: germline.

Labcorp Genetics (formerly Invitae), Labcorp
Classification: Likely benign. Last evaluated: 2024-03-17. Review status: criteria provided, single submitter. Criteria: Invitae Variant Classification Sherloc (09022015). Collection method: clinical testing. Allele origin: germline.

GeneDx
Classification: Uncertain significance. Last evaluated: 2023-07-23. Review status: criteria provided, single submitter. Criteria: GeneDx Variant Classification Process June 2021. Collection method: clinical testing. Allele origin: germline. Affected: yes.
Comment: In silico analysis supports that this missense variant does not alter protein structure/function; Has not been previously published as pathogenic or benign to our knowledge